The following is an entry in ClinVar:

NM_005219.5(DIAPH1):c.2569G>A (p.Ala857Thr)

Gene: DIAPH1 (diaphanous related formin 1; minus strand). Cytogenetic location: 5q31.3.
Variant type: single nucleotide variant.
Coding change: c.2569G>A on transcript NM_005219.5 (MANE Select); coding-DNA position 2569, G replaced by A.
Protein change: p.Ala857Thr; replaces alanine 857 with threonine.
Molecular consequence: missense variant.
Genome position (GRCh38, 1-based): chr5:141,534,347, C>T on the plus strand (G>A on the coding strand, the complement: DIAPH1 is on the minus strand). VCF-style: chr5-141534347-C-T. GRCh37 (hg19) VCF-style: chr5-140913914-C-T.
Other names: c.2542G>A, p.Ala848Thr (NM_001079812.3); c.2569G>A, p.Ala857Thr (NM_001314007.2); short protein forms A848T, A857T.
Identifiers: ClinVar variation 4784835 (VCV004784835.1).
Genomic context (GRCh38, chr5:141,534,347, plus strand): 5'-AAAAGAATTCCTTCACATTTTGAATAGTTGGGACCAAGAGATACTCACAGAGATTCTGGG[C>T]TGTCTTTGAATCCAACACCTTTAACTCTTTTACTTTTTTCTTTTGCACAGATTTCTTTTC-3'
Protein context (NP_005210.3, residues 847-867): KELKVLDSKT[Ala857Thr]QNLSIFLGSF

ClinVar aggregate classification (germline): Uncertain significance (1 of 4 stars; one submission).

Conditions:
Progressive microcephaly-seizures-cortical blindness-developmental delay syndrome. Also called: Seizures, cortical blindness, and microcephaly syndrome. Identifiers: Orphanet 477814, MedGen C5567650, MONDO:0014714, OMIM 616632.
Autosomal dominant nonsyndromic hearing loss 1. Also called: DEAFNESS, AUTOSOMAL DOMINANT 1, WITH OR WITHOUT THROMBOCYTOPENIA; KONIGSMARK SYNDROME. Identifiers: Orphanet 90635, MedGen C1852282, MONDO:0007424, OMIM 124900.

Submission:

Labcorp Genetics (formerly Invitae), Labcorp
Classification: Uncertain significance for Progressive microcephaly-seizures-cortical blindness-developmental delay syndrome; Autosomal dominant nonsyndromic hearing loss 1. Last evaluated: 2025-11-11. Review status: criteria provided, single submitter. Criteria: Invitae Variant Classification Sherloc (09022015). Collection method: clinical testing. Allele origin: germline.
Comment: This sequence change replaces alanine, which is neutral and non-polar, with threonine, which is neutral and polar, at codon 857 of the DIAPH1 protein (p.Ala857Thr). This variant is not present in population databases (gnomAD no frequency). This variant has not been reported in the literature in individuals affected with DIAPH1-related conditions. An algorithm developed to predict the effect of missense changes on protein structure and function (PolyPhen-2) suggests that this variant is likely to be disruptive. In summary, the available evidence is currently insufficient to determine the role of this variant in disease. Therefore, it has been classified as a Variant of Uncertain Significance.